The following is an entry in ClinVar:

NM_000203.5(IDUA):c.557A>G (p.His186Arg)

Gene: IDUA (alpha-L-iduronidase; plus strand). Cytogenetic location: 4p16.3.
Variant type: single nucleotide variant.
Coding change: c.557A>G on transcript NM_000203.5 (MANE Select); coding-DNA position 557, A replaced by G.
Protein change: p.His186Arg; replaces histidine 186 with arginine.
Molecular consequence: missense variant. On other transcripts: non-coding transcript variant (1).
Genome position (GRCh38, 1-based): chr4:1,001,531, A>G. VCF-style: chr4-1001531-A-G. GRCh37 (hg19) VCF-style: chr4-995319-A-G.
Other names: c.161A>G, p.His54Arg (NM_001363576.1); c.557A>G (NM_000203.3); short protein forms H186R, H54R.
Identifiers: ClinVar variation 990332 (VCV000990332.5), dbSNP rs758439259, ClinGen allele CA2801992.

ClinVar aggregate classification (germline): Uncertain significance. Review status: criteria provided, multiple submitters, no conflicts (2 of 4 stars). 3 submissions from 3 submitters: Uncertain significance (2). 1 of the submissions does not count toward it. Last evaluated 2025-03-19.

Conditions:
Inborn genetic diseases. Identifiers: MedGen C0950123, MeSH D030342.
Mucopolysaccharidosis type 1. Also called: IDUA deficiency; MPS I; Mucopolysaccharidosis Type I. Identifiers: Orphanet 579, MedGen C0023786, MONDO:0001586.

Allele frequency attached by ClinVar (database versions not stated): TOPMed below 0.00001; ExAC 0.00001; gnomAD 0.00001; gnomAD exomes 0.00001 and below 0.00001.
gnomAD v4.1: 4 of 1,613,168 alleles (0.00025%); highest among the groups gnomAD compares: Admixed American, 0.0033%; no homozygotes.

Submissions (3):

Labcorp Genetics (formerly Invitae), Labcorp
Classification: Uncertain significance for Mucopolysaccharidosis type 1. Last evaluated: 2025-03-19. Review status: criteria provided, single submitter. Criteria: Invitae Variant Classification Sherloc (09022015). Collection method: clinical testing. Allele origin: germline.
Comment: This sequence change replaces histidine, which is basic and polar, with arginine, which is basic and polar, at codon 186 of the IDUA protein (p.His186Arg). This variant is present in population databases (rs758439259, gnomAD 0.003%). This variant has not been reported in the literature in individuals affected with IDUA-related conditions. ClinVar contains an entry for this variant (Variation ID: 990332). Invitae Evidence Modeling of protein sequence and biophysical properties (such as structural, functional, and spatial information, amino acid conservation, physicochemical variation, residue mobility, and thermodynamic stability) has been performed for this missense variant. However, the output from this modeling did not meet the statistical confidence thresholds required to predict the impact of this variant on IDUA protein function. In summary, the available evidence is currently insufficient to determine the role of this variant in disease. Therefore, it has been classified as a Variant of Uncertain Significance.

Ambry Genetics
Classification: Uncertain significance for Inborn genetic diseases. Last evaluated: 2024-04-28. Review status: criteria provided, single submitter. Criteria: Ambry Variant Classification Scheme 2023. Collection method: clinical testing. Allele origin: germline.
Comment: The p.H186R variant (also known as c.557A>G), located in coding exon 5 of the IDUA gene, results from an A to G substitution at nucleotide position 557. The histidine at codon 186 is replaced by arginine, an amino acid with highly similar properties. This amino acid position is conserved. In addition, the in silico prediction for this alteration is inconclusive. Based on the available evidence, the clinical significance of this variant remains unclear.

Natera, Inc.
Classification: Uncertain significance for Mucopolysaccharidosis type I. Last evaluated: 2020-08-13. Review status: no assertion criteria provided. Collection method: clinical testing. Allele origin: germline. Not counted in ClinVar's aggregate classification.